The following is an entry in ClinVar:

NM_020987.5(ANK3):c.5612G>T (p.Arg1871Leu)

Gene: ANK3 (ankyrin 3; minus strand). Cytogenetic location: 10q21.2.
Variant type: single nucleotide variant.
Coding change: c.5612G>T on transcript NM_020987.5 (MANE Select); coding-DNA position 5612, G replaced by T.
Protein change: p.Arg1871Leu; replaces arginine 1871 with leucine.
Molecular consequence: missense variant. On other transcripts: intron variant (4).
Genome position (GRCh38, 1-based): chr10:60,075,269, C>A on the plus strand (G>T on the coding strand, the complement: ANK3 is on the minus strand). VCF-style: chr10-60075269-C-A. GRCh37 (hg19) VCF-style: chr10-61835027-C-A.
Other names: c.4387+5268G>T (NM_001204403.2); c.4408+5268G>T (NM_001204404.2); c.4405+5268G>T (NM_001320874.2); c.1807+5268G>T (NM_001149.4); short protein forms R1871L.
Identifiers: ClinVar variation 939871 (VCV000939871.9), dbSNP rs767032551, ClinGen allele CA5511986.

ClinVar aggregate classification (germline): Uncertain significance (1 of 4 stars; one submission).

Allele frequency attached by ClinVar (database versions not stated): ExAC 0.00002.
gnomAD v4.1: 4 of 1,614,108 alleles (0.00025%); highest among the groups gnomAD compares: South Asian, 0.0044%; no homozygotes.

Submission:

Labcorp Genetics (formerly Invitae), Labcorp
Classification: Uncertain significance. Last evaluated: 2023-01-23. Review status: criteria provided, single submitter. Criteria: Invitae Variant Classification Sherloc (09022015). Collection method: clinical testing. Allele origin: germline.
Comment: ClinVar contains an entry for this variant (Variation ID: 939871). This variant has not been reported in the literature in individuals affected with ANK3-related conditions. This variant is present in population databases (rs767032551, gnomAD 0.01%). This sequence change replaces arginine, which is basic and polar, with leucine, which is neutral and non-polar, at codon 1871 of the ANK3 protein (p.Arg1871Leu). Advanced modeling of protein sequence and biophysical properties (such as structural, functional, and spatial information, amino acid conservation, physicochemical variation, residue mobility, and thermodynamic stability) has been performed at Invitae for this missense variant, however the output from this modeling did not meet the statistical confidence thresholds required to predict the impact of this variant on ANK3 protein function. In summary, the available evidence is currently insufficient to determine the role of this variant in disease. Therefore, it has been classified as a Variant of Uncertain Significance.